The following is an entry in ClinVar:

ClinVar aggregate classification (germline): Uncertain significance. Review status: criteria provided, multiple submitters, no conflicts (2 of 4 stars). 2 submissions from 2 submitters: Uncertain significance (2). Last evaluated 2024-01-04.

Conditions:
Inborn genetic diseases. Identifiers: MedGen C0950123, MeSH D030342.
Brachyolmia-amelogenesis imperfecta syndrome. Also called: PLATYSPONDYLY WITH AMELOGENESIS IMPERFECTA; Tooth agenesis, selective, 6; Dental anomalies and short stature. Identifiers: Orphanet 2899, MedGen C1832594, MONDO:0011018, OMIM 601216. Disease mechanism: loss of function.

Allele frequency attached by ClinVar (database versions not stated): TOPMed below 0.00001; gnomAD exomes 0.00001.
gnomAD v4.1: 3 of 1,573,126 alleles (0.00019%); highest among the groups gnomAD compares: Non-Finnish European, 0.00026%; no homozygotes.

Submissions (2):

Ambry Genetics
Classification: Uncertain significance for Inborn genetic diseases. Last evaluated: 2024-01-04. Review status: criteria provided, single submitter. Criteria: Ambry Variant Classification Scheme 2023. Collection method: clinical testing. Allele origin: germline.

Labcorp Genetics (formerly Invitae), Labcorp
Classification: Uncertain significance for Brachyolmia-amelogenesis imperfecta syndrome. Last evaluated: 2023-12-19. Review status: criteria provided, single submitter. Criteria: Invitae Variant Classification Sherloc (09022015). Collection method: clinical testing. Allele origin: germline.
Comment: This sequence change replaces glycine, which is neutral and non-polar, with serine, which is neutral and polar, at codon 1057 of the LTBP3 protein (p.Gly1057Ser). The frequency data for this variant in the population databases is considered unreliable, as metrics indicate poor data quality at this position in the gnomAD database. This variant has not been reported in the literature in individuals affected with LTBP3-related conditions. ClinVar contains an entry for this variant (Variation ID: 1948284). An algorithm developed to predict the effect of missense changes on protein structure and function (PolyPhen-2) suggests that this variant is likely to be tolerated. In summary, the available evidence is currently insufficient to determine the role of this variant in disease. Therefore, it has been classified as a Variant of Uncertain Significance.

NM_001130144.3(LTBP3):c.3169G>A (p.Gly1057Ser)

Genes: LTBP3 (latent transforming growth factor beta binding protein 3; minus strand), LOC121832793 (Sharpr-MPRA regulatory region 4001; plus strand). Cytogenetic location: 11q13.1.
Variant type: single nucleotide variant.
Coding change: c.3169G>A on transcript NM_001130144.3 (MANE Select); coding-DNA position 3169, G replaced by A.
Protein change: p.Gly1057Ser; replaces glycine 1057 with serine.
Molecular consequence: missense variant.
Genome position (GRCh38, 1-based): chr11:65,540,320, C>T on the plus strand (G>A on the coding strand, the complement: LTBP3 is on the minus strand). VCF-style: chr11-65540320-C-T. GRCh37 (hg19) VCF-style: chr11-65307791-C-T.
Other names: c.3169G>A (NM_001130144.2); c.2818G>A, p.Gly940Ser (NM_001164266.1); c.3169G>A, p.Gly1057Ser (NM_021070.4); short protein forms G1057S, G940S.
Identifiers: ClinVar variation 1948284 (VCV001948284.6), dbSNP rs1301996963, ClinGen allele CA381267493.